The following is an entry in ClinVar:

ClinVar aggregate classification (germline): Likely pathogenic (1 of 4 stars; one submission).

Conditions:
Hereditary cancer-predisposing syndrome. Also called: Neoplastic Syndromes, Hereditary; Tumor predisposition; Hereditary Cancer Syndrome; Hereditary neoplastic syndrome. Identifiers: Orphanet 140162, MedGen C0027672, MeSH D009386, MONDO:0015356.

Submission:

Ambry Genetics
Classification: Likely pathogenic for Hereditary cancer-predisposing syndrome. Last evaluated: 2026-04-06. Review status: criteria provided, single submitter. Criteria: Ambry Variant Classification Scheme 2023. Collection method: clinical testing. Allele origin: germline.
Comment: The c.945+1G>T intronic variant results from a G to T substitution one nucleotide after coding exon 6 of the PTCH1 gene. This variant is considered to be rare based on population cohorts in the Genome Aggregation Database (gnomAD). This nucleotide position is highly conserved in available vertebrate species. In silico splice site analysis predicts that this alteration will weaken the native splice donor site. Variants that disrupt the canonical splice site are expected to cause aberrant splicing, resulting in an abnormal protein or a transcript that is subject to nonsense-mediated mRNA decay. As such, this variant is classified as likely pathogenic.

NM_000264.5(PTCH1):c.945+1G>T

Gene: PTCH1 (patched 1; minus strand). Cytogenetic location: 9q22.32.
Variant type: single nucleotide variant.
Coding change: c.945+1G>T on transcript NM_000264.5 (MANE Select); the canonical splice donor site of the intron after coding-DNA position 945, G replaced by T.
Molecular consequence: splice donor variant.
Genome position (GRCh38, 1-based): chr9:95,480,389, C>A on the plus strand (G>T on the coding strand, the complement: PTCH1 is on the minus strand). VCF-style: chr9-95480389-C-A. GRCh37 (hg19) VCF-style: chr9-98242671-C-A.
Other names: c.942+1G>T (NM_001083603.3); c.747+1G>T (NM_001083602.3); c.945+1G>T (NM_001354918.2); c.492+1G>T (NM_001083605.3, NM_001083604.3, NM_001083606.3 and 1 more transcripts).
Identifiers: ClinVar variation 4862654 (VCV004862654.1).